The following is an entry in ClinVar:

NM_000159.4(GCDH):c.197_198del (p.Leu66fs)

Genes: GCDH (glutaryl-CoA dehydrogenase; plus strand), LOC117125594 (CRISPRi-FlowFISH-validated KLF1 regulatory element; plus strand). Cytogenetic location: 19p13.13.
Variant type: Deletion.
Coding change: c.197_198del on transcript NM_000159.4 (MANE Select); coding-DNA positions 197 to 198, 2 bases deleted (TC; older notation c.197_198delTC).
Protein change: p.Leu66fs; shifts the reading frame from leucine 66.
Molecular consequence: frameshift variant. On other transcripts: non-coding transcript variant (2).
Genome position (GRCh38, 1-based): chr19:12,891,900-12,891,901, TC deleted; deleting any 2 consecutive bases within chr19:12,891,899-12,891,901 gives the same sequence; the c. name uses the placement nearest the transcript's 3' end. VCF-style (leftmost placement, unchanged base first): chr19-12891898-CCT-C. GRCh37 (hg19) VCF-style: chr19-13002712-CCT-C.
Other names: c.197_198del, p.Leu66fs (NM_013976.5); short protein forms L66fs.
Identifiers: ClinVar variation 1726397 (VCV001726397.2), dbSNP rs2512564970, ClinGen allele CA2580096529.

ClinVar aggregate classification (germline): Likely pathogenic (1 of 4 stars; one submission).

Conditions:
Glutaric aciduria, type 1. Also called: GA I; Glutaric Acidemia Type 1; Glutaricaciduria, type I; Glutaryl-CoA dehydrogenase deficiency; Glutaric acidemia type I; Glutaricacidemia Type 1. Identifiers: Orphanet 25, MedGen C0268595, MONDO:0009281, OMIM 231670.

Submission:

Myriad Genetics, Inc.
Classification: Likely pathogenic for Glutaric aciduria, type 1. Last evaluated: 2021-12-17. Review status: criteria provided, single submitter. Criteria: Myriad Women's Health Autosomal Recessive and X-Linked Classification Criteria (2021). Collection method: clinical testing. Allele origin: unknown.
Comment: NM_000159.2(GCDH):c.197_198delTC(L66Hfs*121) is expected to be pathogenic in the context of glutaric acidemia, GCDH-related. This variant is predicted to lead to an abnormal or absent protein product due to the creation of a premature termination codon in GCDH, a gene where loss-of-function variants are known to be pathogenic. Please note: this variant was assessed in the context of healthy population screening.